The following is an entry in ClinVar:

ClinVar aggregate classification (germline): Uncertain significance. Review status: criteria provided, multiple submitters, no conflicts (2 of 4 stars). 3 submissions from 3 submitters: Uncertain significance (3). Last evaluated 2025-05-29.

Conditions:
Inborn genetic diseases. Identifiers: MedGen C0950123, MeSH D030342.

Allele frequency attached by ClinVar (database versions not stated): gnomAD exomes 0.00004; gnomAD 0.00005 and 0.00006; ExAC 0.00006; TOPMed 0.00006; ESP Exome Variant Server 0.00015.
gnomAD v4.1: 46 of 1,600,590 alleles (0.0029%); highest among the groups gnomAD compares: Middle Eastern, 0.017%; no homozygotes.

Submissions (3):

Labcorp Genetics (formerly Invitae), Labcorp
Classification: Uncertain significance. Last evaluated: 2025-05-29. Review status: criteria provided, single submitter. Criteria: Invitae Variant Classification Sherloc (09022015). Collection method: clinical testing. Allele origin: germline.
Comment: This sequence change replaces serine, which is neutral and polar, with leucine, which is neutral and non-polar, at codon 689 of the TRAF3IP1 protein (p.Ser689Leu). This variant is present in population databases (rs375052092, gnomAD 0.02%). This variant has not been reported in the literature in individuals affected with TRAF3IP1-related conditions. ClinVar contains an entry for this variant (Variation ID: 1381431). Invitae Evidence Modeling of protein sequence and biophysical properties (such as structural, functional, and spatial information, amino acid conservation, physicochemical variation, residue mobility, and thermodynamic stability) indicates that this missense variant is expected to disrupt TRAF3IP1 protein function with a positive predictive value of 80%. In summary, the available evidence is currently insufficient to determine the role of this variant in disease. Therefore, it has been classified as a Variant of Uncertain Significance.

Ambry Genetics
Classification: Uncertain significance for Inborn genetic diseases. Last evaluated: 2022-08-16. Review status: criteria provided, single submitter. Criteria: Ambry Variant Classification Scheme 2023. Collection method: clinical testing. Allele origin: germline.

Blueprint Genetics
Classification: Uncertain significance. Last evaluated: 2021-03-15. Review status: criteria provided, single submitter. Criteria: ACMG Guidelines, 2015. Collection method: clinical testing. Allele origin: germline.

NM_015650.4(IFT54):c.2066C>T (p.Ser689Leu)

Gene: IFT54 (intraflagellar transport 54; plus strand). Cytogenetic location: 2q37.3.
Variant type: single nucleotide variant.
Coding change: c.2066C>T on transcript NM_015650.4 (MANE Select); coding-DNA position 2066, C replaced by T.
Protein change: p.Ser689Leu; replaces serine 689 with leucine.
Molecular consequence: missense variant.
Genome position (GRCh38, 1-based): chr2:238,398,909, C>T. VCF-style: chr2-238398909-C-T. GRCh37 (hg19) VCF-style: chr2-239307550-C-T.
Other names: c.1868C>T, p.Ser623Leu (NM_001139490.1); c.2066C>T (NM_015650.3); short protein forms S623L, S689L.
Identifiers: ClinVar variation 1381431 (VCV001381431.9), dbSNP rs375052092, ClinGen allele CA2198642.